The following is an entry in ClinVar:

ClinVar aggregate classification (germline): Uncertain significance (1 of 4 stars; one submission).

Conditions:
Leber congenital amaurosis 6 (LCA6). Identifiers: Orphanet 65, MedGen C1854260, MONDO:0013446, OMIM 613826.
Cone-rod dystrophy 13 (CORD13). Identifiers: Orphanet 1872, MedGen C2750720, MONDO:0011987, OMIM 608194.

Allele frequency attached by ClinVar (database versions not stated): TOPMed below 0.00001; gnomAD 0.00001.
gnomAD v4.1: 2 of 1,613,354 alleles (0.00012%); highest among the groups gnomAD compares: Admixed American, 0.0033%; no homozygotes.

Submission:

Labcorp Genetics (formerly Invitae), Labcorp
Classification: Uncertain significance for Leber congenital amaurosis 6; Cone-rod dystrophy 13. Last evaluated: 2021-09-17. Review status: criteria provided, single submitter. Criteria: Invitae Variant Classification Sherloc (09022015). Collection method: clinical testing. Allele origin: germline.
Comment: This sequence change replaces histidine with glutamine at codon 988 of the RPGRIP1 protein (p.His988Gln). The histidine residue is weakly conserved and there is a small physicochemical difference between histidine and glutamine. This variant is not present in population databases (ExAC no frequency). This variant has not been reported in the literature in individuals with RPGRIP1-related conditions. Algorithms developed to predict the effect of missense changes on protein structure and function output the following: SIFT: "Tolerated"; PolyPhen-2: "Benign"; Align-GVGD: "Class C0". The glutamine amino acid residue is found in multiple mammalian species, suggesting that this missense change does not adversely affect protein function. These predictions have not been confirmed by published functional studies and their clinical significance is uncertain. In summary, the available evidence is currently insufficient to determine the role of this variant in disease. Therefore, it has been classified as a Variant of Uncertain Significance.

NM_020366.4(RPGRIP1):c.2964T>A (p.His988Gln)

Gene: RPGRIP1 (RPGR interacting protein 1; plus strand). Cytogenetic location: 14q11.2.
Variant type: single nucleotide variant.
Coding change: c.2964T>A on transcript NM_020366.4 (MANE Select); coding-DNA position 2964, T replaced by A.
Protein change: p.His988Gln; replaces histidine 988 with glutamine.
Molecular consequence: missense variant.
Genome position (GRCh38, 1-based): chr14:21,328,492, T>A. VCF-style: chr14-21328492-T-A. GRCh37 (hg19) VCF-style: chr14-21796651-T-A.
Other names: c.942T>A, p.His314Gln (NM_001377523.1, NM_001377950.1); c.1890T>A, p.His630Gln (NM_001377948.1); c.1050T>A, p.His350Gln (NM_001377949.1); c.444T>A, p.His148Gln (NM_001377951.1); short protein forms H148Q, H630Q, H314Q, H350Q, H988Q.
Identifiers: ClinVar variation 1360329 (VCV001360329.5), dbSNP rs1883351019, ClinGen allele CA388871078.